The following is an entry in ClinVar:

NM_002334.4(LRP4):c.2201A>C (p.His734Pro)

Gene: LRP4 (LDL receptor related protein 4; minus strand). Cytogenetic location: 11p11.2.
Variant type: single nucleotide variant.
Coding change: c.2201A>C on transcript NM_002334.4 (MANE Select); coding-DNA position 2201, A replaced by C.
Protein change: p.His734Pro; replaces histidine 734 with proline.
Molecular consequence: missense variant.
Genome position (GRCh38, 1-based): chr11:46,889,425, T>G on the plus strand (A>C on the coding strand, the complement: LRP4 is on the minus strand). VCF-style: chr11-46889425-T-G. GRCh37 (hg19) VCF-style: chr11-46910976-T-G.
Other names: short protein forms H734P.
Identifiers: ClinVar variation 1713966 (VCV001713966.5), dbSNP rs781117084, ClinGen allele CA5969966.

ClinVar aggregate classification (germline): Uncertain significance (1 of 4 stars; one submission).

Conditions:
Sclerosteosis 2 (SOST2). Identifiers: Orphanet 3152, MedGen C3280402, MONDO:0013679, OMIM 614305.
Congenital myasthenic syndrome 17. Identifiers: Orphanet 590, MedGen C4225377, MONDO:0014578, OMIM 616304.
Cenani-Lenz syndactyly syndrome. Also called: CENANI SYNDACTYLISM; SYNDACTYLY, TYPE VII. Identifiers: Orphanet 3258, MedGen C1859309, MONDO:0008931, OMIM 212780.

Allele frequency attached by ClinVar (database versions not stated): ExAC 0.00001; gnomAD 0.00001.
gnomAD v4.1: 1 of 1,613,990 alleles (0.000062%); highest among the groups gnomAD compares: Non-Finnish European, 0.000085%; no homozygotes.

Submission:

Labcorp Genetics (formerly Invitae), Labcorp
Classification: Uncertain significance for Cenani-Lenz syndactyly syndrome; Sclerosteosis 2; Congenital myasthenic syndrome 17. Last evaluated: 2022-07-27. Review status: criteria provided, single submitter. Criteria: Invitae Variant Classification Sherloc (09022015). Collection method: clinical testing. Allele origin: germline.
Comment: This sequence change replaces histidine, which is basic and polar, with proline, which is neutral and non-polar, at codon 734 of the LRP4 protein (p.His734Pro). This variant is not present in population databases (gnomAD no frequency). This variant has not been reported in the literature in individuals affected with LRP4-related conditions. Algorithms developed to predict the effect of missense changes on protein structure and function are either unavailable or do not agree on the potential impact of this missense change (SIFT: "Deleterious"; PolyPhen-2: "Benign"; Align-GVGD: "Class C0"). In summary, the available evidence is currently insufficient to determine the role of this variant in disease. Therefore, it has been classified as a Variant of Uncertain Significance.